The following is an entry in ClinVar:

ClinVar aggregate classification (germline): Likely benign (1 of 4 stars; one submission).

Allele frequency attached by ClinVar (database versions not stated): TOPMed below 0.00001.

Submission:

CeGaT Center for Human Genetics Tuebingen
Classification: Likely benign. Last evaluated: 2022-04-01. Review status: criteria provided, single submitter. Criteria: CeGaT Center For Human Genetics Tuebingen Variant Classification Criteria Version 2. Collection method: clinical testing. Allele origin: germline. Affected: yes. Observed: 1 variant allele.
Comment: CUX1: PM2:Supporting, BP4, BP7

NM_001913.5(CUX1):c.1269G>A (p.Glu423=)

Gene: CUX1 (cut like homeobox 1; plus strand). Cytogenetic location: 7q22.1.
Variant type: single nucleotide variant.
Coding change: c.1269G>A on transcript NM_001913.5 (MANE Plus Clinical); coding-DNA position 1269, G replaced by A.
Protein change: p.Glu423=; no amino-acid change (glutamic acid 423 retained).
Molecular consequence: synonymous variant.
Genome position (GRCh38, 1-based): chr7:102,273,379, G>A. VCF-style: chr7-102273379-G-A. GRCh37 (hg19) VCF-style: chr7-101916650-G-A.
Other names: c.1221G>A, p.Glu407= (NM_001202544.3); c.1131G>A, p.Glu377= (NM_001202545.3); c.1152G>A, p.Glu384= (NM_001202546.3); c.1263G>A, p.Glu421= (NM_181500.4).
Identifiers: ClinVar variation 2657879 (VCV002657879.22), dbSNP rs1361293360, ClinGen allele CA456812055.